The following is an entry in ClinVar:

ClinVar aggregate classification (germline): Uncertain significance. Review status: criteria provided, single submitter (1 of 4 stars). 2 submissions from 2 submitters: Uncertain significance (1). 1 of the submissions does not count toward it. Last evaluated 2025-11-03.

Conditions:
Glycogen storage disease type III (GSD3). Also called: FORBES DISEASE; Cori disease. Identifiers: Orphanet 366, MedGen C0017922, MONDO:0009291, OMIM 232400.

Allele frequency attached by ClinVar (database versions not stated): gnomAD exomes below 0.00001; ExAC 0.00001; TOPMed 0.00002.
gnomAD v4.1: 4 of 1,613,936 alleles (0.00025%); highest among the groups gnomAD compares: African/African-American, 0.0013%; no homozygotes.

Submissions (2):

Labcorp Genetics (formerly Invitae), Labcorp
Classification: Uncertain significance for Glycogen storage disease type III. Last evaluated: 2025-11-03. Review status: criteria provided, single submitter. Criteria: Invitae Variant Classification Sherloc (09022015). Collection method: clinical testing. Allele origin: germline.
Comment: This sequence change replaces leucine, which is neutral and non-polar, with valine, which is neutral and non-polar, at codon 65 of the AGL protein (p.Leu65Val). This variant is present in population databases (rs772086117, gnomAD 0.0009%). This variant has not been reported in the literature in individuals affected with AGL-related conditions. ClinVar contains an entry for this variant (Variation ID: 456463). Invitae Evidence Modeling of protein sequence and biophysical properties (such as structural, functional, and spatial information, amino acid conservation, physicochemical variation, residue mobility, and thermodynamic stability) indicates that this missense variant is not expected to disrupt AGL protein function with a negative predictive value of 80%. In summary, the available evidence is currently insufficient to determine the role of this variant in disease. Therefore, it has been classified as a Variant of Uncertain Significance.

Natera, Inc.
Classification: Uncertain significance for Glycogen storage disease type III. Last evaluated: 2020-11-20. Review status: no assertion criteria provided. Collection method: clinical testing. Allele origin: germline. Not counted in ClinVar's aggregate classification.

NM_000642.3(AGL):c.193C>G (p.Leu65Val)

Gene: AGL (amylo-alpha-1,6-glucosidase and 4-alpha-glucanotransferase; plus strand). Cytogenetic location: 1p21.2.
Variant type: single nucleotide variant.
Coding change: c.193C>G on transcript NM_000642.3 (MANE Select); coding-DNA position 193, C replaced by G.
Protein change: p.Leu65Val; replaces leucine 65 with valine.
Molecular consequence: missense variant.
Genome position (GRCh38, 1-based): chr1:99,861,613, C>G. VCF-style: chr1-99861613-C-G. GRCh37 (hg19) VCF-style: chr1-100327169-C-G.
Other names: c.193C>G, p.Leu65Val (NM_000028.3, NM_000643.3, NM_000644.3 and 5 more transcripts); c.145C>G, p.Leu49Val (NM_000646.3); short protein forms L65V, L49V.
Identifiers: ClinVar variation 456463 (VCV000456463.10), dbSNP rs772086117, ClinGen allele CA966083.
Genomic context (GRCh38, chr1:99,861,613, plus strand): 5'-ACCGTGTATACAAATTACCCATTTCCTGGAGAAACATTTAATAGAGAAAAATTCCGTTCT[C>G]TGGATTGGGAAAATCCAACAGAAAGAGAAGATGATTCTGATAAATACTGTAAACTTAATC-3'
Protein context (NP_000633.2, residues 55-75): ETFNREKFRS[Leu65Val]DWENPTERED